The following is an entry in ClinVar:

NM_000282.4(PCCA):c.915-1G>A

Gene: PCCA (propionyl-CoA carboxylase subunit alpha; plus strand). Cytogenetic location: 13q32.3.
Variant type: single nucleotide variant.
Coding change: c.915-1G>A on transcript NM_000282.4 (MANE Select); the canonical splice acceptor site of the intron before coding-DNA position 915, G replaced by A.
Molecular consequence: splice acceptor variant.
Genome position (GRCh38, 1-based): chr13:100,273,195, G>A. VCF-style: chr13-100273195-G-A. GRCh37 (hg19) VCF-style: chr13-100925449-G-A.
Other names: c.915-1G>A (NM_001178004.2, NM_001352605.2, NM_001352606.2 and 1 more transcripts); c.-31-1G>A (NM_001352610.2, NM_001352611.2, NM_001352612.2); c.837-1G>A (NM_001127692.3, NM_001352607.2, NM_001352608.2).
Identifiers: ClinVar variation 4711094 (VCV004711094.1).
Genomic context (GRCh38, chr13:100,273,195, plus strand): 5'-CACACAAAAGATAACTTGATTTTTGTCCGAAATGTAGACAAACATTTTTTTGTATATGTA[G>A]CATTTTTTTGGATGCGGAGACTCGAAGAGCGATGGGAGAACAAGCTGTAGCTCTTGCCAG-3'

ClinVar aggregate classification (germline): Likely pathogenic (1 of 4 stars; one submission).

Conditions:
Propionic acidemia (PROP). Also called: GLYCINEMIA, KETOTIC; HYPERGLYCINEMIA WITH KETOACIDOSIS AND LEUKOPENIA; KETOTIC HYPERGLYCINEMIA. Identifiers: Orphanet 35, MedGen C0268579, MONDO:0011628, OMIM 606054, HP:0003571.

gnomAD v4.1: 1 of 1,611,708 alleles (0.000062%); highest among the groups gnomAD compares: African/African-American, 0.0013%; no homozygotes.

Submission:

Labcorp Genetics (formerly Invitae), Labcorp
Classification: Likely pathogenic for Propionic acidemia. Last evaluated: 2025-04-30. Review status: criteria provided, single submitter. Criteria: Invitae Variant Classification Sherloc (09022015). Collection method: clinical testing. Allele origin: germline.
Comment: This sequence change affects an acceptor splice site in intron 11 of the PCCA gene. It is expected to disrupt RNA splicing. Variants that disrupt the donor or acceptor splice site typically lead to a loss of protein function (PMID: 16199547), and loss-of-function variants in PCCA are known to be pathogenic (PMID: 15464417). This variant is present in population databases (rs367615795, gnomAD 0.007%). This variant has not been reported in the literature in individuals affected with PCCA-related conditions. Algorithms developed to predict the effect of sequence changes on RNA splicing suggest that this variant may disrupt the consensus splice site. In summary, the currently available evidence indicates that the variant is pathogenic, but additional data are needed to prove that conclusively. Therefore, this variant has been classified as Likely Pathogenic.

Literature cited by the submitters: PubMed 16199547; PubMed 15464417.